The following is an entry in ClinVar:

ClinVar aggregate classification (germline): Uncertain significance. Review status: criteria provided, multiple submitters, no conflicts (2 of 4 stars). 2 submissions from 2 submitters: Uncertain significance (2). Last evaluated 2024-12-03.

Conditions:
Hereditary spastic paraplegia 11. Also called: Nakamura Osame syndrome; Autosomal recessive hereditary spastic paraplegia, mental impairment, and thin corpus callosum; SPASTIC PARAPLEGIA, AUTOSOMAL RECESSIVE, COMPLICATED, WITH THIN CORPUS CALLOSUM; SPASTIC PARAPLEGIA, AUTOSOMAL RECESSIVE, WITH MENTAL IMPAIRMENT AND THIN CORPUS CALLOSUM; Spastic paraplegia, mental retardation and thin corpus callosum; Spastic Paraplegia 11. Identifiers: Orphanet 2822, MedGen C1858479, MONDO:0011445, OMIM 604360.

Allele frequency attached by ClinVar (database versions not stated): gnomAD exomes below 0.00001 and 0.00002; gnomAD 0.00001; ExAC 0.00002; ESP Exome Variant Server 0.00008.
gnomAD v4.1: 27 of 1,613,430 alleles (0.0017%); highest among the groups gnomAD compares: South Asian, 0.0055%; no homozygotes.

Submissions (2):

GeneDx
Classification: Uncertain significance. Last evaluated: 2024-12-03. Review status: criteria provided, single submitter. Criteria: GeneDx Variant Classification Process June 2021. Collection method: clinical testing. Allele origin: germline. Affected: yes.
Comment: Not observed at significant frequency in large population cohorts (gnomAD); In silico analysis supports that this missense variant has a deleterious effect on protein structure/function; Has not been previously published as pathogenic or benign to our knowledge

Labcorp Genetics (formerly Invitae), Labcorp
Classification: Uncertain significance for Hereditary spastic paraplegia 11. Last evaluated: 2021-08-20. Review status: criteria provided, single submitter. Criteria: Invitae Variant Classification Sherloc (09022015). Collection method: clinical testing. Allele origin: germline.
Comment: This sequence change replaces glycine with valine at codon 1163 of the SPG11 protein (p.Gly1163Val). The glycine residue is moderately conserved and there is a moderate physicochemical difference between glycine and valine. This variant is present in population databases (rs376821867, ExAC 0.003%). This variant has not been reported in the literature in individuals affected with SPG11-related conditions. Algorithms developed to predict the effect of missense changes on protein structure and function are either unavailable or do not agree on the potential impact of this missense change (SIFT: "Tolerated"; PolyPhen-2: "Probably Damaging"; Align-GVGD: "Class C0"). In summary, the available evidence is currently insufficient to determine the role of this variant in disease. Therefore, it has been classified as a Variant of Uncertain Significance.

NM_025137.4(SPG11):c.3488G>T (p.Gly1163Val)

Gene: SPG11 (SPG11 vesicle trafficking associated, spatacsin; minus strand). Cytogenetic location: 15q21.1.
Variant type: single nucleotide variant.
Coding change: c.3488G>T on transcript NM_025137.4 (MANE Select); coding-DNA position 3488, G replaced by T.
Protein change: p.Gly1163Val; replaces glycine 1163 with valine.
Molecular consequence: missense variant.
Genome position (GRCh38, 1-based): chr15:44,606,057, C>A on the plus strand (G>T on the coding strand, the complement: SPG11 is on the minus strand). VCF-style: chr15-44606057-C-A. GRCh37 (hg19) VCF-style: chr15-44898255-C-A.
Other names: c.3488G>T (NM_025137.3); c.3488G>T, p.Gly1163Val (NM_001160227.2); short protein forms G1163V.
Identifiers: ClinVar variation 1493961 (VCV001493961.6), dbSNP rs376821867, ClinGen allele CA7534955.